The following is an entry in ClinVar:

ClinVar aggregate classification (germline): Likely benign (0 of 4 stars; one submission).

Conditions:
IKZF1-related disorder. Also called: IKZF1-related condition.

Allele frequency attached by ClinVar (database versions not stated): ExAC 0.00007; gnomAD 0.00007; 1000 Genomes Project 30x 0.00016; 1000 Genomes Project 0.00020.
gnomAD v4.1: 41 of 703,184 alleles (0.0058%); highest among the groups gnomAD compares: Admixed American, 0.01%; no homozygotes.

Submission:

PreventionGenetics, part of Exact Sciences
Classification: Likely benign for IKZF1-related condition. Last evaluated: 2019-05-01. Review status: no assertion criteria provided. Collection method: clinical testing. Allele origin: germline.
Comment: This variant is classified as likely benign based on ACMG/AMP sequence variant interpretation guidelines (Richards et al. 2015 PMID: 25741868, with internal and published modifications).

NM_006060.6(IKZF1):c.161-8274G>A

Gene: IKZF1 (IKAROS family zinc finger 1; plus strand). Cytogenetic location: 7p12.2.
Variant type: single nucleotide variant.
Coding change: c.161-8274G>A on transcript NM_006060.6 (MANE Select); 8274 bases into the intron before coding-DNA position 161, G replaced by A.
Molecular consequence: intron variant. On other transcripts: synonymous variant (1).
Genome position (GRCh38, 1-based): chr7:50,368,259, G>A. VCF-style: chr7-50368259-G-A. GRCh37 (hg19) VCF-style: chr7-50435957-G-A.
Other names: c.414G>A, p.Ala138= (NM_001291845.2); c.220+194G>A (NM_001410879.1, NM_001291846.2, NM_001291847.2); c.161-14281G>A (NM_001291839.2, NM_001291838.2, NM_001220767.2 and 1 more transcripts); c.161-8274G>A (NM_001220765.3, NM_001291837.2, NM_001220768.2 and 1 more transcripts); c.161-19086G>A (NM_001291841.1, NM_001291842.1); c.161-23470G>A (NM_001291843.1, NM_001291844.1); c.161-31659G>A (NM_001291840.1).
Identifiers: ClinVar variation 3037195 (VCV003037195.2), dbSNP rs148745500, ClinGen allele CA4261240.
Genomic context (GRCh38, chr7:50,368,259, plus strand): 5'-CCATATCATTTTTGGGTATTTATACCATAAAGTGCAAAACGAAGGTCTAGGCAGTTGTGC[G>A]GTGTCCTGGGAGCATGGCAGTGGAGTAACAGTAAGGGTTGGAGTCACAGTAGCACTGATG-3'